The following is an entry in ClinVar:

NM_207352.4(CYP4V2):c.83G>C (p.Ser28Thr)

Gene: CYP4V2 (cytochrome P450 family 4 subfamily V member 2; plus strand). Cytogenetic location: 4q35.1.
Variant type: single nucleotide variant.
Coding change: c.83G>C on transcript NM_207352.4 (MANE Select); coding-DNA position 83, G replaced by C.
Protein change: p.Ser28Thr; replaces serine 28 with threonine.
Molecular consequence: missense variant.
Genome position (GRCh38, 1-based): chr4:186,191,906, G>C. VCF-style: chr4-186191906-G-C. GRCh37 (hg19) VCF-style: chr4-187113060-G-C.
Other names: short protein forms S28T.
Identifiers: ClinVar variation 1996315 (VCV001996315.4), dbSNP rs2478889073, ClinGen allele CA358946514.

ClinVar aggregate classification (germline): Uncertain significance (1 of 4 stars; one submission).

Submission:

Labcorp Genetics (formerly Invitae), Labcorp
Classification: Uncertain significance. Last evaluated: 2022-05-19. Review status: criteria provided, single submitter. Criteria: Invitae Variant Classification Sherloc (09022015). Collection method: clinical testing. Allele origin: germline.
Comment: This sequence change replaces serine, which is neutral and polar, with threonine, which is neutral and polar, at codon 28 of the CYP4V2 protein (p.Ser28Thr). This variant is not present in population databases (gnomAD no frequency). This variant has not been reported in the literature in individuals affected with CYP4V2-related conditions. Advanced modeling of protein sequence and biophysical properties (such as structural, functional, and spatial information, amino acid conservation, physicochemical variation, residue mobility, and thermodynamic stability) performed at Invitae indicates that this missense variant is not expected to disrupt CYP4V2 protein function. In summary, the available evidence is currently insufficient to determine the role of this variant in disease. Therefore, it has been classified as a Variant of Uncertain Significance.